The following is an entry in ClinVar:

NM_001145809.2(MYH14):c.157C>T (p.Arg53Trp)

Gene: MYH14 (myosin heavy chain 14; plus strand). Cytogenetic location: 19q13.33.
Variant type: single nucleotide variant.
Coding change: c.157C>T on transcript NM_001145809.2 (MANE Select); coding-DNA position 157, C replaced by T.
Protein change: p.Arg53Trp; replaces arginine 53 with tryptophan.
Molecular consequence: missense variant.
Genome position (GRCh38, 1-based): chr19:50,210,522, C>T. VCF-style: chr19-50210522-C-T. GRCh37 (hg19) VCF-style: chr19-50713779-C-T.
Other names: c.157C>T, p.Arg53Trp (NM_024729.4, NM_001077186.2); short protein forms R53W.
Identifiers: ClinVar variation 2807469 (VCV002807469.3), dbSNP rs766303694, ClinGen allele CA9592201.

ClinVar aggregate classification (germline): Uncertain significance (1 of 4 stars; one submission).

Allele frequency attached by ClinVar (database versions not stated): TOPMed below 0.00001; gnomAD 0.00001; gnomAD exomes 0.00002; ExAC 0.00004.

Submission:

Labcorp Genetics (formerly Invitae), Labcorp
Classification: Uncertain significance. Last evaluated: 2023-12-14. Review status: criteria provided, single submitter. Criteria: Invitae Variant Classification Sherloc (09022015). Collection method: clinical testing. Allele origin: germline.
Comment: This sequence change replaces arginine, which is basic and polar, with tryptophan, which is neutral and slightly polar, at codon 53 of the MYH14 protein (p.Arg53Trp). The frequency data for this variant in the population databases is considered unreliable, as metrics indicate poor data quality at this position in the gnomAD database. This variant has not been reported in the literature in individuals affected with MYH14-related conditions. Advanced modeling of protein sequence and biophysical properties (such as structural, functional, and spatial information, amino acid conservation, physicochemical variation, residue mobility, and thermodynamic stability) performed at Invitae indicates that this missense variant is expected to disrupt MYH14 protein function with a positive predictive value of 80%. In summary, the available evidence is currently insufficient to determine the role of this variant in disease. Therefore, it has been classified as a Variant of Uncertain Significance.